The following is an entry in ClinVar:

NM_003640.5(ELP1):c.3066T>A (p.Phe1022Leu)

Gene: ELP1 (elongator acetyltransferase complex subunit 1; minus strand). Cytogenetic location: 9q31.3.
Variant type: single nucleotide variant.
Coding change: c.3066T>A on transcript NM_003640.5 (MANE Select); coding-DNA position 3066, T replaced by A.
Protein change: p.Phe1022Leu; replaces phenylalanine 1022 with leucine.
Molecular consequence: missense variant.
Genome position (GRCh38, 1-based): chr9:108,891,297, A>T on the plus strand (T>A on the coding strand, the complement: ELP1 is on the minus strand). VCF-style: chr9-108891297-A-T. GRCh37 (hg19) VCF-style: chr9-111653577-A-T.
Other names: c.2724T>A, p.Phe908Leu (NM_001318360.2); c.2019T>A, p.Phe673Leu (NM_001330749.2); short protein forms F908L, F1022L, F673L.
Identifiers: ClinVar variation 947057 (VCV000947057.10), dbSNP rs372822046, ClinGen allele CA5174443.

ClinVar aggregate classification (germline): Uncertain significance. Review status: criteria provided, multiple submitters, no conflicts (2 of 4 stars). 4 submissions from 4 submitters: Uncertain significance (3). 1 of the submissions does not count toward it. Last evaluated 2025-01-09.

Conditions:
Familial dysautonomia. Also called: FD; HSAN III. Identifiers: Orphanet 1764, MedGen C0013364, MONDO:0009131, OMIM 223900. Disease mechanism: loss of function.

Allele frequency attached by ClinVar (database versions not stated): gnomAD exomes below 0.00001 and 0.00001; TOPMed below 0.00001; ExAC 0.00001; gnomAD 0.00001; ESP Exome Variant Server 0.00008.
gnomAD v4.1: 9 of 1,614,082 alleles (0.00056%); highest among the groups gnomAD compares: Non-Finnish European, 0.00076%; no homozygotes.

Submissions (4):

GeneDx
Classification: Uncertain significance. Last evaluated: 2025-01-09. Review status: criteria provided, single submitter. Criteria: GeneDx Variant Classification Process June 2021. Collection method: clinical testing. Allele origin: germline. Affected: yes.
Comment: Not observed at significant frequency in large population cohorts (gnomAD); In silico analysis supports that this missense variant has a deleterious effect on protein structure/function; Has not been previously published as pathogenic or benign to our knowledge

Labcorp Genetics (formerly Invitae), Labcorp
Classification: Uncertain significance. Last evaluated: 2021-09-01. Review status: criteria provided, single submitter. Criteria: Invitae Variant Classification Sherloc (09022015). Collection method: clinical testing. Allele origin: germline.
Comment: This sequence change replaces phenylalanine with leucine at codon 1022 of the ELP1 protein (p.Phe1022Leu). The phenylalanine residue is moderately conserved and there is a small physicochemical difference between phenylalanine and leucine. This variant is present in population databases (rs372822046, ExAC 0.002%). This variant has not been reported in the literature in individuals affected with ELP1-related conditions. Algorithms developed to predict the effect of missense changes on protein structure and function (SIFT, PolyPhen-2, Align-GVGD) all suggest that this variant is likely to be tolerated. In summary, the available evidence is currently insufficient to determine the role of this variant in disease. Therefore, it has been classified as a Variant of Uncertain Significance.

Ambry Genetics
Classification: Uncertain significance. Last evaluated: 2019-12-03. Review status: criteria provided, single submitter. Criteria: Ambry Variant Classification Scheme 2023. Collection method: clinical testing. Allele origin: germline.
Comment: The p.F1022L variant (also known as c.3066T>A), located in coding exon 27 of the IKBKAP gene, results from a T to A substitution at nucleotide position 3066. The phenylalanine at codon 1022 is replaced by leucine, an amino acid with highly similar properties. This amino acid position is highly conserved in available vertebrate species. In addition, the in silico prediction for this alteration is inconclusive. Since supporting evidence is limited at this time, the clinical significance of this alteration remains unclear.

Natera, Inc.
Classification: Uncertain significance for Familial dysautonomia. Last evaluated: 2020-07-17. Review status: no assertion criteria provided. Collection method: clinical testing. Allele origin: germline. Not counted in ClinVar's aggregate classification.